The following is an entry in ClinVar:

ClinVar aggregate classification (germline): Uncertain significance (1 of 4 stars; one submission).

Allele frequency attached by ClinVar (database versions not stated): gnomAD 0.00002; TOPMed 0.00002; ESP Exome Variant Server 0.00008; ExAC 0.00010.
gnomAD v4.1: 59 of 1,613,850 alleles (0.0037%); highest among the groups gnomAD compares: South Asian, 0.031%; no homozygotes.

Submission:

Labcorp Genetics (formerly Invitae), Labcorp
Classification: Uncertain significance. Last evaluated: 2022-08-20. Review status: criteria provided, single submitter. Criteria: Invitae Variant Classification Sherloc (09022015). Collection method: clinical testing. Allele origin: germline.
Comment: This sequence change replaces asparagine, which is neutral and polar, with serine, which is neutral and polar, at codon 3649 of the FAT1 protein (p.Asn3649Ser). This variant is present in population databases (rs373810205, gnomAD 0.04%). This variant has not been reported in the literature in individuals affected with FAT1-related conditions. Algorithms developed to predict the effect of missense changes on protein structure and function are either unavailable or do not agree on the potential impact of this missense change (SIFT: "Deleterious"; PolyPhen-2: "Benign"; Align-GVGD: "Class C45"). In summary, the available evidence is currently insufficient to determine the role of this variant in disease. Therefore, it has been classified as a Variant of Uncertain Significance.

NM_005245.4(FAT1):c.10946A>G (p.Asn3649Ser)

Genes: FAT1 (FAT atypical cadherin 1; minus strand), LOC126807254 (BRD4-independent group 4 enhancer GRCh37_chr4:187524269-187525468; plus strand). Cytogenetic location: 4q35.2.
Variant type: single nucleotide variant.
Coding change: c.10946A>G on transcript NM_005245.4 (MANE Select); coding-DNA position 10946, A replaced by G.
Protein change: p.Asn3649Ser; replaces asparagine 3649 with serine.
Molecular consequence: missense variant.
Genome position (GRCh38, 1-based): chr4:186,603,580, T>C on the plus strand (A>G on the coding strand, the complement: FAT1 is on the minus strand). VCF-style: chr4-186603580-T-C. GRCh37 (hg19) VCF-style: chr4-187524734-T-C.
Other names: short protein forms N3649S.
Identifiers: ClinVar variation 2039707 (VCV002039707.1), dbSNP rs373810205, ClinGen allele CA3165217.
Genomic context (GRCh38, chr4:186,603,580, plus strand): 5'-TTCCGTAAAGCTCGCTGGAAGTTGCGCCAGTAGTCACCAACGAATTCTTCCGGAGTGAGG[T>C]TGGCAAAGCGGATCGCGATGGTGTGGTTCAACATCTCCTGTGTGACTTGTCTGATATGCA-3'
Protein context (NP_005236.2, residues 3639-3659): LNHTIAIRFA[Asn3649Ser]LTPEEFVGDY